The following is an entry in ClinVar:

ClinVar aggregate classification (germline): Uncertain significance (1 of 4 stars; one submission).

Conditions:
Charcot-Marie-Tooth disease axonal type 2O. Also called: CHARCOT-MARIE-TOOTH NEUROPATHY, AXONAL, TYPE 2O; CHARCOT-MARIE-TOOTH DISEASE, AXONAL, AUTOSOMAL DOMINANT, TYPE 2O; Charcot-Marie-Tooth Neuropathy Type 2O; Charcot-Marie-Tooth disease, axonal, type 20. Identifiers: Orphanet 284232, MedGen C3280220, MONDO:0013644, OMIM 614228.

gnomAD v4.1: 1 of 1,600,260 alleles (0.000062%); highest among the groups gnomAD compares: Admixed American, 0.0017%; no homozygotes.

Submission:

Labcorp Genetics (formerly Invitae), Labcorp
Classification: Uncertain significance for Charcot-Marie-Tooth disease axonal type 2O. Last evaluated: 2024-06-18. Review status: criteria provided, single submitter. Criteria: Invitae Variant Classification Sherloc (09022015). Collection method: clinical testing. Allele origin: germline.
Comment: This sequence change replaces aspartic acid, which is acidic and polar, with histidine, which is basic and polar, at codon 26 of the DYNC1H1 protein (p.Asp26His). The frequency data for this variant in the population databases is considered unreliable, as metrics indicate poor data quality at this position in the gnomAD database. This variant has not been reported in the literature in individuals affected with DYNC1H1-related conditions. Advanced modeling of protein sequence and biophysical properties (such as structural, functional, and spatial information, amino acid conservation, physicochemical variation, residue mobility, and thermodynamic stability) has been performed at Invitae for this missense variant, however the output from this modeling did not meet the statistical confidence thresholds required to predict the impact of this variant on DYNC1H1 protein function. In summary, the available evidence is currently insufficient to determine the role of this variant in disease. Therefore, it has been classified as a Variant of Uncertain Significance.

NM_001376.5(DYNC1H1):c.76G>C (p.Asp26His)

Gene: DYNC1H1 (dynein cytoplasmic 1 heavy chain 1; plus strand). Cytogenetic location: 14q32.31.
Variant type: single nucleotide variant.
Coding change: c.76G>C on transcript NM_001376.5 (MANE Select); coding-DNA position 76, G replaced by C.
Protein change: p.Asp26His; replaces aspartic acid 26 with histidine.
Molecular consequence: missense variant.
Genome position (GRCh38, 1-based): chr14:101,964,767, G>C. VCF-style: chr14-101964767-G-C. GRCh37 (hg19) VCF-style: chr14-102431104-G-C.
Other names: short protein forms D26H.
Identifiers: ClinVar variation 3672028 (VCV003672028.2).